The following is an entry in ClinVar:

NM_152424.4(AMER1):c.2363G>A (p.Cys788Tyr)

Gene: AMER1 (APC membrane recruitment protein 1; minus strand). Cytogenetic location: Xq11.2.
Variant type: single nucleotide variant.
Coding change: c.2363G>A on transcript NM_152424.4 (MANE Select); coding-DNA position 2363, G replaced by A.
Protein change: p.Cys788Tyr; replaces cysteine 788 with tyrosine.
Molecular consequence: missense variant.
Genome position (GRCh38, 1-based): chrX:64,190,924, C>T on the plus strand (G>A on the coding strand, the complement: AMER1 is on the minus strand). VCF-style: chrX-64190924-C-T. GRCh37 (hg19) VCF-style: chrX-63410804-C-T.
Other names: short protein forms C788Y.
Identifiers: ClinVar variation 1030259 (VCV001030259.1), dbSNP rs1269339307, ClinGen allele CA413303653.
Genomic context (GRCh38, chrX:64,190,924, plus strand): 5'-GTCACCATGGGAGGCAGCTCAGGGAGGTTTTGAGTGAAAGATGAGTCAGAGTCAGAGCTG[C>T]AGGACATGCTGGAAAAGAGGTTCCCATTGCTGGTGAACTCTACCAGGGCCTGTGAGAAAC-3'
Protein context (NP_689637.3, residues 778-798): SNGNLFSSMS[Cys788Tyr]SSDSDSSFTQ

ClinVar aggregate classification (germline): Uncertain significance (1 of 4 stars; one submission).

Conditions:
Osteopathia striata with cranial sclerosis (OSCS). Also called: HYPEROSTOSIS GENERALISATA WITH STRIATIONS. Identifiers: Orphanet 2780, MedGen C0432268, MONDO:0010310, OMIM 300373.

Submission:

Baylor Genetics
Classification: Uncertain significance for Osteopathia striata with cranial sclerosis. Last evaluated: 2019-09-13. Review status: criteria provided, single submitter. Criteria: ACMG Guidelines, 2015. Collection method: clinical testing. Allele origin: unknown. Affected: yes.
Comment: This variant was determined to be of uncertain significance according to ACMG Guidelines, 2015 [PMID:25741868].